The following is an entry in ClinVar:

ClinVar aggregate classification (germline): Likely pathogenic (1 of 4 stars; one submission).

Conditions:
Tuberous sclerosis 2 (TSC2). Identifiers: Orphanet 805, MedGen C1860707, MONDO:0013199, OMIM 613254.

Submission:

3billion
Classification: Likely pathogenic for Tuberous sclerosis 2. Last evaluated: 2024-07-02. Review status: criteria provided, single submitter. Criteria: ACMG Guidelines, 2015. Collection method: clinical testing. Allele origin: germline. Affected: yes.
Comment: The variant is not observed in the gnomAD v4.0.0 dataset. Predicted Consequence/Location: Stop-gained (nonsense): predicted to result in a loss or disruption of normal protein function through nonsense-mediated decay (NMD) or protein truncation. Multiple pathogenic variants are reported downstream of the variant. Therefore, this variant is classified as Likely pathogenic according to the recommendation of ACMG/AMP guideline.

NM_000548.5(TSC2):c.1944C>A (p.Tyr648Ter)

Gene: TSC2 (TSC complex subunit 2; plus strand). Cytogenetic location: 16p13.3.
Variant type: single nucleotide variant.
Coding change: c.1944C>A on transcript NM_000548.5 (MANE Select); coding-DNA position 1944, C replaced by A.
Protein change: p.Tyr648Ter; replaces tyrosine 648 with a stop codon.
Molecular consequence: nonsense. On other transcripts: non-coding transcript variant (5).
Genome position (GRCh38, 1-based): chr16:2,071,614, C>A. VCF-style: chr16-2071614-C-A. GRCh37 (hg19) VCF-style: chr16-2121615-C-A.
Other names: c.1977C>A, p.Tyr659Ter (NM_001318832.2); c.1944C>A, p.Tyr648Ter (NM_001363528.2, NM_001370404.1, NM_001370405.1 and 6 more transcripts); c.2034C>A, p.Tyr678Ter (NM_001406667.1, NM_001406668.1); c.1833C>A, p.Tyr611Ter (NM_001406670.1, NM_001318827.2, NM_001406678.1); c.1344C>A, p.Tyr448Ter (NM_001406682.1, NM_001406683.1, NM_001406684.1 and 6 more transcripts); c.600C>A, p.Tyr200Ter (NM_001406689.1, NM_001406690.1, NM_001406691.1 and 6 more transcripts); c.1797C>A, p.Tyr599Ter (NM_001318829.2, NM_001406675.1, NM_001406676.1 and 1 more transcripts); c.1932C>A, p.Tyr644Ter (NM_001406671.1, NM_001406673.1); and 3 more; short protein forms Y114*, Y200*, Y448*, Y494*, Y599*, Y611*, Y629*, Y644*.
Identifiers: ClinVar variation 4293278 (VCV004293278.1).